The following is an entry in ClinVar:

ClinVar aggregate classification (germline): Likely benign (1 of 4 stars; one submission).

Submission:

Women's Health and Genetics/Laboratory Corporation of America, LabCorp
Classification: Likely benign. Last evaluated: 2023-10-19. Review status: criteria provided, single submitter. Criteria: LabCorp Variant Classification Summary - May 2015. Collection method: clinical testing. Allele origin: germline.
Comment: Variant summary: CHD4 c.4060+16C>T alters a conserved nucleotide located at a position not widely known to affect splicing. Consensus agreement among computation tools predict no significant impact on normal splicing. However, these predictions have yet to be confirmed by functional studies. The variant was absent in 251234 control chromosomes (gnomAD). The available data on variant occurrences in the general population are insufficient to allow any conclusion about variant significance. To our knowledge, no occurrence of c.4060+16C>T in individuals affected with Sifrim-Hitz Syndrome and no experimental evidence demonstrating its impact on protein function have been reported. No submitters have cited clinical-significance assessments for this variant to ClinVar after 2014. Based on the evidence outlined above, the variant was classified as likely benign.

NM_001273.5(CHD4):c.4060+16C>T

Genes: CHD4 (chromodomain helicase DNA binding protein 4; minus strand), CHD4-AS1 (CHD4 antisense RNA 1; plus strand). Cytogenetic location: 12p13.31.
Variant type: single nucleotide variant.
Coding change: c.4060+16C>T on transcript NM_001273.5 (MANE Select); 16 bases into the intron after coding-DNA position 4060, C replaced by T.
Molecular consequence: intron variant.
Genome position (GRCh38, 1-based): chr12:6,583,182, G>A on the plus strand (C>T on the coding strand, the complement: CHD4 is on the minus strand). VCF-style: chr12-6583182-G-A. GRCh37 (hg19) VCF-style: chr12-6692348-G-A.
Other names: c.4021+16C>T (NM_001363606.2); c.4039+16C>T (NM_001297553.2).
Identifiers: ClinVar variation 2637817 (VCV002637817.1), dbSNP rs2540383348, ClinGen allele CA383576815.
Genomic context (GRCh38, chr12:6,583,182, plus strand): 5'-AGAGAGGGCAGATGAGCGGGGCCCACTGCTCTAGTGGAACGGCCCATGGGTGGGGGGCGG[G>A]GCCGGCCACACACACCTCGGTCCTCCTGGGAGCCATCATTGTAGTTGACCTGTTTACGGA-3'